The following is an entry in ClinVar:

NM_002529.4(NTRK1):c.1633-1G>T

Gene: NTRK1 (neurotrophic receptor tyrosine kinase 1; plus strand). Cytogenetic location: 1q23.1.
Variant type: single nucleotide variant.
Coding change: c.1633-1G>T on transcript NM_002529.4 (MANE Select); the canonical splice acceptor site of the intron before coding-DNA position 1633, G replaced by T.
Molecular consequence: splice acceptor variant.
Genome position (GRCh38, 1-based): chr1:156,876,399, G>T. VCF-style: chr1-156876399-G-T. GRCh37 (hg19) VCF-style: chr1-156846191-G-T.
Other names: c.1525-1G>T (NM_001007792.1); c.1615-1G>T (NM_001012331.2).
Identifiers: ClinVar variation 637813 (VCV000637813.3), dbSNP rs1571699664, ClinGen allele CA342938357.

ClinVar aggregate classification (germline): Uncertain significance. Review status: no assertion criteria provided (0 of 4 stars). 2 submissions from 2 submitters: Uncertain significance (1). 1 of the submissions does not count toward it.

Conditions:
Charcot-Marie-Tooth disease. Also called: Charcot-Marie-Tooth Hereditary Neuropathy; Charcot-Marie-Tooth Neuropathy. Identifiers: Orphanet 166, MedGen C0007959, MONDO:0015626.
Hereditary insensitivity to pain with anhidrosis (CIPA). Also called: INSENSITIVITY TO PAIN, CONGENITAL, WITH ANHIDROSIS; HSAN Type IV; NTRK1 Congenital Insensitivity to Pain with Anhidrosis; FAMILIAL DYSAUTONOMIA, TYPE II; hereditary sensory and autonomic neuropathy type 4; NEUROPATHY, CONGENITAL SENSORY, WITH ANHIDROSIS. Identifiers: Orphanet 642, MedGen C0020074, MONDO:0009746, OMIM 256800.

Submissions (2):

GeneReviews
No classification provided. Condition: Hereditary insensitivity to pain with anhidrosis. Review status: no classification provided. Collection method: literature only. Allele origin: germline. Not counted in ClinVar's aggregate classification.
Comment: Founder variant in Turkish population

Inherited Neuropathy Consortium
Classification: Uncertain significance for Charcot-Marie-Tooth disease. Review status: no assertion criteria provided. Collection method: literature only. Allele origin: germline. Affected: yes.

Literature cited by the submitters: NCBI Bookshelf NBK1769 (cited by GeneReviews); PubMed 18322713 (cited by GeneReviews and Inherited Neuropathy Consortium).